The following is an entry in ClinVar:

NM_201253.3(CRB1):c.2612A>G (p.Asn871Ser)

Gene: CRB1 (crumbs cell polarity complex component 1; plus strand). Cytogenetic location: 1q31.3.
Variant type: single nucleotide variant.
Coding change: c.2612A>G on transcript NM_201253.3 (MANE Select); coding-DNA position 2612, A replaced by G.
Protein change: p.Asn871Ser; replaces asparagine 871 with serine.
Molecular consequence: missense variant. On other transcripts: non-coding transcript variant (2), intron variant (1).
Genome position (GRCh38, 1-based): chr1:197,427,937, A>G. VCF-style: chr1-197427937-A-G. GRCh37 (hg19) VCF-style: chr1-197397067-A-G.
Other names: c.2276A>G, p.Asn759Ser (NM_001193640.2); c.2405A>G, p.Asn802Ser (NM_001257965.2); c.2128+5981A>G (NM_001257966.2); short protein forms N759S, N802S, N871S.
Identifiers: ClinVar variation 2074958 (VCV002074958.1), dbSNP rs750042314, ClinGen allele CA1312145.

ClinVar aggregate classification (germline): Uncertain significance (1 of 4 stars; one submission).

Conditions:
Retinitis pigmentosa 12 (RP12). Also called: RP WITH OR WITHOUT PPRPE; RP WITH OR WITHOUT PRESERVED PARAARTERIOLE RETINAL PIGMENT EPITHELIUM; RETINITIS PIGMENTOSA WITH OR WITHOUT PARAARTERIOLAR PRESERVATION OF RETINAL PIGMENT EPITHELIUM. Identifiers: Orphanet 791, MedGen C1838647, MONDO:0010818, OMIM 600105.
Leber congenital amaurosis 8 (LCA8). Identifiers: Orphanet 65, MedGen C3151202, MONDO:0013453, OMIM 613835.

Allele frequency attached by ClinVar (database versions not stated): ExAC 0.00001; gnomAD 0.00001; gnomAD exomes 0.00001.
gnomAD v4.1: 21 of 1,613,864 alleles (0.0013%); highest among the groups gnomAD compares: Non-Finnish European, 0.0016%; no homozygotes.

Submission:

Labcorp Genetics (formerly Invitae), Labcorp
Classification: Uncertain significance for Leber congenital amaurosis 8; Retinitis pigmentosa 12. Last evaluated: 2021-06-06. Review status: criteria provided, single submitter. Criteria: Invitae Variant Classification Sherloc (09022015). Collection method: clinical testing. Allele origin: germline.
Comment: This sequence change replaces asparagine with serine at codon 871 of the CRB1 protein (p.Asn871Ser). The asparagine residue is moderately conserved and there is a small physicochemical difference between asparagine and serine. This variant is present in population databases (rs750042314, ExAC 0.002%). This variant has not been reported in the literature in individuals with CRB1-related disease. Algorithms developed to predict the effect of missense changes on protein structure and function output the following: SIFT: "Tolerated"; PolyPhen-2: "Benign"; Align-GVGD: "Class C0". The serine amino acid residue is found in multiple mammalian species, suggesting that this missense change does not adversely affect protein function. These predictions have not been confirmed by published functional studies and their clinical significance is uncertain. Algorithms developed to predict the effect of sequence changes on RNA splicing suggest that this variant may create or strengthen a splice site, but this prediction has not been confirmed by published transcriptional studies. In summary, the available evidence is currently insufficient to determine the role of this variant in disease. Therefore, it has been classified as a Variant of Uncertain Significance.